The following is an entry in ClinVar:

NM_006017.3(PROM1):c.361A>T (p.Ile121Phe)

Gene: PROM1 (prominin 1; minus strand). Cytogenetic location: 4p15.32.
Variant type: single nucleotide variant.
Coding change: c.361A>T on transcript NM_006017.3 (MANE Select); coding-DNA position 361, A replaced by T.
Protein change: p.Ile121Phe; replaces isoleucine 121 with phenylalanine.
Molecular consequence: missense variant.
Genome position (GRCh38, 1-based): chr4:16,033,452, T>A on the plus strand (A>T on the coding strand, the complement: PROM1 is on the minus strand). VCF-style: chr4-16033452-T-A. GRCh37 (hg19) VCF-style: chr4-16035075-T-A.
Other names: c.334A>T, p.Ile112Phe (NM_001145847.2, NM_001145848.2, NM_001145851.2 and 4 more transcripts); c.361A>T, p.Ile121Phe (NM_001145849.2, NM_001145850.2); short protein forms I121F, I112F.
Identifiers: ClinVar variation 1352001 (VCV001352001.8), dbSNP rs765642019, ClinGen allele CA2867087.

ClinVar aggregate classification (germline): Uncertain significance (1 of 4 stars; one submission).

Allele frequency attached by ClinVar (database versions not stated): gnomAD exomes below 0.00001; TOPMed below 0.00001; ExAC 0.00001; gnomAD 0.00001.
gnomAD v4.1: 5 of 1,613,228 alleles (0.00031%); highest among the groups gnomAD compares: Non-Finnish European, 0.00034%; no homozygotes.

Submission:

Labcorp Genetics (formerly Invitae), Labcorp
Classification: Uncertain significance. Last evaluated: 2024-04-02. Review status: criteria provided, single submitter. Criteria: Invitae Variant Classification Sherloc (09022015). Collection method: clinical testing. Allele origin: germline.
Comment: This sequence change replaces isoleucine, which is neutral and non-polar, with phenylalanine, which is neutral and non-polar, at codon 121 of the PROM1 protein (p.Ile121Phe). This variant is present in population databases (rs765642019, gnomAD 0.0009%). This missense change has been observed in individual(s) with blindness (PMID: 32483926). ClinVar contains an entry for this variant (Variation ID: 1352001). Advanced modeling of protein sequence and biophysical properties (such as structural, functional, and spatial information, amino acid conservation, physicochemical variation, residue mobility, and thermodynamic stability) performed at Invitae indicates that this missense variant is not expected to disrupt PROM1 protein function with a negative predictive value of 80%. In summary, the available evidence is currently insufficient to determine the role of this variant in disease. Therefore, it has been classified as a Variant of Uncertain Significance.

Literature cited by the submitters: PubMed 32483926.